The following is an entry in ClinVar:

NM_000520.6(HEXA):c.42A>T (p.Ala14=)

Gene: HEXA (hexosaminidase subunit alpha; minus strand). Cytogenetic location: 15q23.
Variant type: single nucleotide variant.
Coding change: c.42A>T on transcript NM_000520.6 (MANE Select); coding-DNA position 42, A replaced by T.
Protein change: p.Ala14=; no amino-acid change (alanine 14 retained).
Molecular consequence: synonymous variant. On other transcripts: non-coding transcript variant (1).
Genome position (GRCh38, 1-based): chr15:72,375,931, T>A on the plus strand (A>T on the coding strand, the complement: HEXA is on the minus strand). VCF-style: chr15-72375931-T-A. GRCh37 (hg19) VCF-style: chr15-72668272-T-A.
Other names: c.42A>T, p.Ala14= (NM_001318825.2).
Identifiers: ClinVar variation 3388669 (VCV003388669.14).

ClinVar aggregate classification (germline): Likely benign (1 of 4 stars; one submission).

Submission:

CeGaT Center for Human Genetics Tuebingen
Classification: Likely benign. Last evaluated: 2024-10-01. Review status: criteria provided, single submitter. Criteria: CeGaT Center For Human Genetics Tuebingen Variant Classification Criteria Version 2. Collection method: clinical testing. Allele origin: germline. Affected: yes. Observed: 1 variant allele.
Comment: HEXA: PM2:Supporting, BP4, BP7